The following is an entry in ClinVar:

NM_000642.3(AGL):c.894_895delinsTA (p.Trp299Arg)

Gene: AGL (amylo-alpha-1,6-glucosidase and 4-alpha-glucanotransferase; plus strand). Cytogenetic location: 1p21.2.
Variant type: Indel.
Coding change: c.894_895delinsTA on transcript NM_000642.3 (MANE Select); coding-DNA positions 894 to 895, CT replaced by TA.
Protein change: p.Trp299Arg; replaces tryptophan 299 with arginine.
Molecular consequence: missense variant.
Genome position (GRCh38, 1-based): chr1:99,870,805-99,870,806, CT replaced by TA. VCF-style: chr1-99870805-CT-TA. GRCh37 (hg19) VCF-style: chr1-100336361-CT-TA.
Other names: c.894_895delCTinsTA, p.Trp299Arg (NM_000028.3, NM_000643.3, NM_000644.3 and 3 more transcripts); c.846_847delCTinsTA, p.Trp283Arg (NM_000646.3); c.690_691delCTinsTA, p.Trp231Arg (NM_001425328.1, NM_001425329.1); c.516_517delCTinsTA, p.Trp173Arg (NM_001425332.1); short protein forms W283R, W299R, W173R, W231R.
Identifiers: ClinVar variation 2154285 (VCV002154285.1), dbSNP rs2101113438, ClinGen allele CA2580063392.

ClinVar aggregate classification (germline): Uncertain significance (1 of 4 stars; one submission).

Conditions:
Glycogen storage disease type III (GSD3). Also called: FORBES DISEASE; Cori disease. Identifiers: Orphanet 366, MedGen C0017922, MONDO:0009291, OMIM 232400.

Submission:

Labcorp Genetics (formerly Invitae), Labcorp
Classification: Uncertain significance for Glycogen storage disease type III. Last evaluated: 2022-08-18. Review status: criteria provided, single submitter. Criteria: Invitae Variant Classification Sherloc (09022015). Collection method: clinical testing. Allele origin: germline.
Comment: This sequence change replaces tryptophan, which is neutral and slightly polar, with arginine, which is basic and polar, at codon 299 of the AGL protein (p.Trp299Arg). Information on the frequency of this variant in the gnomAD database is not available, as this variant may be reported differently in the database. This variant has not been reported in the literature in individuals affected with AGL-related conditions. Experimental studies and prediction algorithms are not available or were not evaluated, and the functional significance of this variant is currently unknown. Algorithms developed to predict the effect of sequence changes on RNA splicing suggest that this variant may create or strengthen a splice site. In summary, the available evidence is currently insufficient to determine the role of this variant in disease. Therefore, it has been classified as a Variant of Uncertain Significance.